The following is an entry in ClinVar:

ClinVar aggregate classification (germline): Uncertain significance (1 of 4 stars; one submission).

Submission:

Ambry Genetics
Classification: Uncertain significance. Last evaluated: 2022-07-27. Review status: criteria provided, single submitter. Criteria: Ambry Variant Classification Scheme 2023. Collection method: clinical testing. Allele origin: germline.
Comment: The p.T313I variant (also known as c.938C>T), located in coding exon 6 of the IDH1 gene, results from a C to T substitution at nucleotide position 938. The threonine at codon 313 is replaced by isoleucine, an amino acid with similar properties. This amino acid position is conserved. In addition, this alteration is predicted to be deleterious by in silico analysis. Since supporting evidence is limited at this time, the clinical significance of this alteration remains unclear.

NM_005896.4(IDH1):c.938C>T (p.Thr313Ile)

Gene: IDH1 (isocitrate dehydrogenase (NADP(+)) 1; minus strand). Cytogenetic location: 2q34.
Variant type: single nucleotide variant.
Coding change: c.938C>T on transcript NM_005896.4 (MANE Select); coding-DNA position 938, C replaced by T.
Protein change: p.Thr313Ile; replaces threonine 313 with isoleucine.
Molecular consequence: missense variant.
Genome position (GRCh38, 1-based): chr2:208,239,916, G>A on the plus strand (C>T on the coding strand, the complement: IDH1 is on the minus strand). VCF-style: chr2-208239916-G-A. GRCh37 (hg19) VCF-style: chr2-209104640-G-A.
Other names: c.938C>T, p.Thr313Ile (NM_001282386.1, NM_001282387.1); short protein forms T313I.
Identifiers: ClinVar variation 1766765 (VCV001766765.2), dbSNP rs2124848939, ClinGen allele CA350095168.